The following is an entry in ClinVar:

ClinVar aggregate classification (germline): Uncertain significance. Review status: criteria provided, multiple submitters, no conflicts (2 of 4 stars). 2 submissions from 2 submitters: Uncertain significance (2). Last evaluated 2019-09-19.

Conditions:
Gray platelet syndrome (GPS). Also called: BLEEDING DISORDER, PLATELET-TYPE, 4. Identifiers: Orphanet 721, MedGen C0272302, MONDO:0007686, OMIM 139090.

Allele frequency attached by ClinVar (database versions not stated): gnomAD 0.00001; gnomAD exomes 0.00001 and 0.00004; TOPMed 0.00001; ExAC 0.00002; 1000 Genomes Project 30x 0.00016; 1000 Genomes Project 0.00020.
gnomAD v4.1: 24 of 1,612,134 alleles (0.0015%); highest among the groups gnomAD compares: East Asian, 0.054%; no homozygotes.

Submissions (2):

Baylor Genetics
Classification: Uncertain significance for Gray platelet syndrome. Last evaluated: 2019-09-19. Review status: criteria provided, single submitter. Criteria: ACMG Guidelines, 2015. Collection method: clinical testing. Allele origin: unknown. Affected: yes.
Comment: This variant was determined to be of uncertain significance according to ACMG Guidelines, 2015 [PMID:25741868].

Illumina Laboratory Services, Illumina
Classification: Uncertain significance for Gray platelet syndrome. Last evaluated: 2018-01-13. Review status: criteria provided, single submitter. Criteria: ICSL Variant Classification Criteria 13 December 2019. Collection method: clinical testing. Allele origin: germline.

NM_015175.3(NBEAL2):c.1156A>G (p.Arg386Gly)

Gene: NBEAL2 (neurobeachin like 2; plus strand). Cytogenetic location: 3p21.31.
Variant type: single nucleotide variant.
Coding change: c.1156A>G on transcript NM_015175.3 (MANE Select); coding-DNA position 1156, A replaced by G.
Protein change: p.Arg386Gly; replaces arginine 386 with glycine.
Molecular consequence: missense variant.
Genome position (GRCh38, 1-based): chr3:46,993,979, A>G. VCF-style: chr3-46993979-A-G. GRCh37 (hg19) VCF-style: chr3-47035469-A-G.
Other names: c.1054A>G, p.Arg352Gly (NM_001365116.2); short protein forms R352G, R386G.
Identifiers: ClinVar variation 899650 (VCV000899650.5), dbSNP rs187629020, ClinGen allele CA2360314.